The following is an entry in ClinVar:

ClinVar aggregate classification (germline): Likely benign. Review status: criteria provided, multiple submitters, no conflicts (2 of 4 stars). 2 submissions from 2 submitters: Likely benign (2). Last evaluated 2025-11-26.

Conditions:
Hereditary spastic paraplegia 11. Also called: Spastic paraplegia, mental retardation and thin corpus callosum; Spastic Paraplegia 11; SPASTIC PARAPLEGIA, AUTOSOMAL RECESSIVE, COMPLICATED, WITH THIN CORPUS CALLOSUM; SPASTIC PARAPLEGIA, AUTOSOMAL RECESSIVE, WITH MENTAL IMPAIRMENT AND THIN CORPUS CALLOSUM; Nakamura Osame syndrome; Autosomal recessive hereditary spastic paraplegia, mental impairment, and thin corpus callosum. Identifiers: Orphanet 2822, MedGen C1858479, MONDO:0011445, OMIM 604360.

Allele frequency attached by ClinVar (database versions not stated): ESP Exome Variant Server 0.00015; gnomAD exomes 0.00018 and 0.00019; TOPMed 0.00018; gnomAD 0.00019 and 0.00020; ExAC 0.00021.
gnomAD v4.1: 283 of 1,613,704 alleles (0.018%); highest among the groups gnomAD compares: South Asian, 0.044%; no homozygotes.

Submissions (2):

Labcorp Genetics (formerly Invitae), Labcorp
Classification: Likely benign for Hereditary spastic paraplegia 11. Last evaluated: 2025-11-26. Review status: criteria provided, single submitter. Criteria: Invitae Variant Classification Sherloc (09022015). Collection method: clinical testing. Allele origin: germline.

CeGaT Center for Human Genetics Tuebingen
Classification: Likely benign. Last evaluated: 2025-03-01. Review status: criteria provided, single submitter. Criteria: CeGaT Center For Human Genetics Tuebingen Variant Classification Criteria Version 2. Collection method: clinical testing. Allele origin: germline. Affected: yes. Observed: 2 variant alleles.
Comment: SPG11: BP4, BP7

NM_025137.4(SPG11):c.2265A>G (p.Gln755=)

Gene: SPG11 (SPG11 vesicle trafficking associated, spatacsin; minus strand). Cytogenetic location: 15q21.1.
Variant type: single nucleotide variant.
Coding change: c.2265A>G on transcript NM_025137.4 (MANE Select); coding-DNA position 2265, A replaced by G.
Protein change: p.Gln755=; no amino-acid change (glutamine 755 retained).
Molecular consequence: synonymous variant.
Genome position (GRCh38, 1-based): chr15:44,622,779, T>C on the plus strand (A>G on the coding strand, the complement: SPG11 is on the minus strand). VCF-style: chr15-44622779-T-C. GRCh37 (hg19) VCF-style: chr15-44914977-T-C.
Other names: c.2265A>G, p.Gln755= (NM_001160227.2).
Identifiers: ClinVar variation 696201 (VCV000696201.34), dbSNP rs142909555, ClinGen allele CA7535302.